The following is an entry in ClinVar:

ClinVar aggregate classification (germline): Uncertain significance (1 of 4 stars; one submission).

Allele frequency attached by ClinVar (database versions not stated): gnomAD 0.00002; TOPMed 0.00004.
gnomAD v4.1: 3 of 1,613,680 alleles (0.00019%); highest among the groups gnomAD compares: African/African-American, 0.004%; no homozygotes.

Submission:

GeneDx
Classification: Uncertain significance. Last evaluated: 2024-01-30. Review status: criteria provided, single submitter. Criteria: GeneDx Variant Classification Process June 2021. Collection method: clinical testing. Allele origin: germline.
Comment: Not observed at significant frequency in large population cohorts (gnomAD); In silico analysis supports that this missense variant has a deleterious effect on protein structure/function; Missense variant in a gene in which most reported pathogenic variants are truncating/loss of function; Has not been previously published as pathogenic or benign to our knowledge

NM_015570.4(AUTS2):c.3119T>C (p.Leu1040Pro)

Gene: AUTS2 (activator of transcription and developmental regulator AUTS2; plus strand). Cytogenetic location: 7q11.22.
Variant type: single nucleotide variant.
Coding change: c.3119T>C on transcript NM_015570.4 (MANE Select); coding-DNA position 3119, T replaced by C.
Protein change: p.Leu1040Pro; replaces leucine 1040 with proline.
Molecular consequence: missense variant.
Genome position (GRCh38, 1-based): chr7:70,790,335, T>C. VCF-style: chr7-70790335-T-C. GRCh37 (hg19) VCF-style: chr7-70255321-T-C.
Other names: c.3047T>C, p.Leu1016Pro (NM_001127231.3); short protein forms L1016P, L1040P.
Identifiers: ClinVar variation 2580381 (VCV002580381.2), dbSNP rs988960317, ClinGen allele CA160016636.